The following is an entry in ClinVar:

ClinVar aggregate classification (germline): Uncertain significance (1 of 4 stars; one submission).

Conditions:
Myasthenic syndrome, congenital, 22 (CMS22). Also called: PREPL DEFICIENCY. Identifiers: MedGen C4479088, MONDO:0044299, OMIM 616224.

Allele frequency attached by ClinVar (database versions not stated): gnomAD 0.00001 and 0.00002; gnomAD exomes 0.00002 and 0.00007; TOPMed 0.00004; ExAC 0.00013.
gnomAD v4.1: 39 of 1,609,218 alleles (0.0024%); highest among the groups gnomAD compares: Middle Eastern, 0.017%; no homozygotes.

Submission:

Labcorp Genetics (formerly Invitae), Labcorp
Classification: Uncertain significance for Myasthenic syndrome, congenital, 22. Last evaluated: 2018-07-01. Review status: criteria provided, single submitter. Criteria: Invitae Variant Classification Sherloc (09022015). Collection method: clinical testing. Allele origin: germline.
Comment: In summary, the available evidence is currently insufficient to determine the role of this variant in disease. Therefore, it has been classified as a Variant of Uncertain Significance. Nucleotide substitutions within the consensus splice site are a relatively common cause of aberrant splicing (PMID: 17576681, 9536098). Algorithms developed to predict the effect of sequence changes on RNA splicing suggest that this variant may disrupt the consensus splice site, but this prediction has not been confirmed by published transcriptional studies. Algorithms developed to predict the effect of missense changes on protein structure and function (SIFT, PolyPhen-2, Align-GVGD) all suggest that this variant is likely to be disruptive, but these predictions have not been confirmed by published functional studies and their clinical significance is uncertain. This variant has not been reported in the literature in individuals with PREPL-related disease. This variant is present in population databases (rs754572953, ExAC 0.02%). This sequence change replaces arginine with glutamine at codon 510 of the PREPL protein (p.Arg510Gln). The arginine residue is highly conserved and there is a small physicochemical difference between arginine and glutamine. This variant also falls at the last nucleotide of exon 9 of the PREPL coding sequence, which is part of the consensus splice site for this exon.

Literature cited by the submitters: PubMed 17576681; PubMed 9536098.

NM_001171613.2(PREPL):c.1262G>A (p.Arg421Gln)

Gene: PREPL (prolyl endopeptidase like; minus strand). Cytogenetic location: 2p21.
Variant type: single nucleotide variant.
Coding change: c.1262G>A on transcript NM_001171613.2 (MANE Select); coding-DNA position 1262, G replaced by A.
Protein change: p.Arg421Gln; replaces arginine 421 with glutamine.
Molecular consequence: missense variant.
Genome position (GRCh38, 1-based): chr2:44,328,937, C>T on the plus strand (G>A on the coding strand, the complement: PREPL is on the minus strand). VCF-style: chr2-44328937-C-T. GRCh37 (hg19) VCF-style: chr2-44556076-C-T.
Other names: c.1529G>A, p.Arg510Gln (NM_006036.4, NM_001171603.1, NM_001171606.2 and 2 more transcripts); c.1343G>A, p.Arg448Gln (NM_001042385.2); c.1331G>A, p.Arg444Gln (NM_001042386.2); c.1262G>A, p.Arg421Gln (NM_001171617.1, NM_001374277.1); short protein forms R421Q, R448Q, R510Q, R444Q.
Identifiers: ClinVar variation 650135 (VCV000650135.7), dbSNP rs754572953, ClinGen allele CA1641186.